The following is an entry in ClinVar:

NM_014989.7(RIMS1):c.5005C>T (p.Leu1669Phe)

Gene: RIMS1 (regulating synaptic membrane exocytosis 1; plus strand). Cytogenetic location: 6q13.
Variant type: single nucleotide variant.
Coding change: c.5005C>T on transcript NM_014989.7 (MANE Select); coding-DNA position 5005, C replaced by T.
Protein change: p.Leu1669Phe; replaces leucine 1669 with phenylalanine.
Molecular consequence: missense variant.
Genome position (GRCh38, 1-based): chr6:72,400,640, C>T. VCF-style: chr6-72400640-C-T. GRCh37 (hg19) VCF-style: chr6-73110342-C-T.
Other names: c.2965C>T, p.Leu989Phe (NM_001168407.2); c.2380C>T, p.Leu794Phe (NM_001168408.2, NM_001350430.2); c.2209C>T, p.Leu737Phe (NM_001168409.2); c.2407C>T, p.Leu803Phe (NM_001168410.2); c.586C>T, p.Leu196Phe (NM_001168411.2); c.2926C>T, p.Leu976Phe (NM_001350414.2); c.3022C>T, p.Leu1008Phe (NM_001350415.2); c.2971C>T, p.Leu991Phe (NM_001350416.2); and 54 more; short protein forms L743F, L766F, L771F, L805F, L833F, L843F, L884F, L905F.
Identifiers: ClinVar variation 1510241 (VCV001510241.6), dbSNP rs2098829571, ClinGen allele CA364822023.

ClinVar aggregate classification (germline): Uncertain significance (1 of 4 stars; one submission).

Allele frequency attached by ClinVar (database versions not stated): gnomAD 0.00001; gnomAD exomes 0.00001.
gnomAD v4.1: 6 of 1,613,792 alleles (0.00037%); highest among the groups gnomAD compares: Admixed American, 0.0017%; no homozygotes.

Submission:

Labcorp Genetics (formerly Invitae), Labcorp
Classification: Uncertain significance. Last evaluated: 2023-01-21. Review status: criteria provided, single submitter. Criteria: Invitae Variant Classification Sherloc (09022015). Collection method: clinical testing. Allele origin: germline.
Comment: This sequence change replaces leucine, which is neutral and non-polar, with phenylalanine, which is neutral and non-polar, at codon 1669 of the RIMS1 protein (p.Leu1669Phe). This variant is not present in population databases (gnomAD no frequency). This variant has not been reported in the literature in individuals affected with RIMS1-related conditions. ClinVar contains an entry for this variant (Variation ID: 1510241). Algorithms developed to predict the effect of missense changes on protein structure and function are either unavailable or do not agree on the potential impact of this missense change (SIFT: "Deleterious"; PolyPhen-2: "Benign"; Align-GVGD: "Class C0"). In summary, the available evidence is currently insufficient to determine the role of this variant in disease. Therefore, it has been classified as a Variant of Uncertain Significance.